The following is an entry in ClinVar:

NM_001252024.2(TRPM1):c.1915G>T (p.Val639Leu)

Gene: TRPM1 (transient receptor potential cation channel subfamily M member 1; minus strand). Cytogenetic location: 15q13.3.
Variant type: single nucleotide variant.
Coding change: c.1915G>T on transcript NM_001252024.2 (MANE Select); coding-DNA position 1915, G replaced by T.
Protein change: p.Val639Leu; replaces valine 639 with leucine.
Molecular consequence: missense variant.
Genome position (GRCh38, 1-based): chr15:31,042,123, C>A on the plus strand (G>T on the coding strand, the complement: TRPM1 is on the minus strand). VCF-style: chr15-31042123-C-A. GRCh37 (hg19) VCF-style: chr15-31334326-C-A.
Other names: c.1966G>T, p.Val656Leu (NM_001252020.2); c.1849G>T, p.Val617Leu (NM_002420.6); short protein forms V617L, V639L, V656L.
Identifiers: ClinVar variation 3679643 (VCV003679643.2).
Genomic context (GRCh38, chr15:31,042,123, plus strand): 5'-CTTCCCCTCGCTGCCAGAGGAACACTGCCATTTTCTGGCGTTTCATCAGCACTGCCCACA[C>A]CATCAGCTCGTGGAAGGGATACTGGAACCGACTCACGGCAGGGTCGTCCACATCAATGTC-3'
Protein context (NP_001238953.1, residues 629-649): RFQYPFHELM[Val639Leu]WAVLMKRQKM

ClinVar aggregate classification (germline): Uncertain significance (1 of 4 stars; one submission).

Submission:

Labcorp Genetics (formerly Invitae), Labcorp
Classification: Uncertain significance. Last evaluated: 2024-09-29. Review status: criteria provided, single submitter. Criteria: Invitae Variant Classification Sherloc (09022015). Collection method: clinical testing. Allele origin: germline.
Comment: This sequence change replaces valine, which is neutral and non-polar, with leucine, which is neutral and non-polar, at codon 617 of the TRPM1 protein (p.Val617Leu). This variant is not present in population databases (gnomAD no frequency). This variant has not been reported in the literature in individuals affected with TRPM1-related conditions. Invitae Evidence Modeling of protein sequence and biophysical properties (such as structural, functional, and spatial information, amino acid conservation, physicochemical variation, residue mobility, and thermodynamic stability) indicates that this missense variant is not expected to disrupt TRPM1 protein function with a negative predictive value of 95%. In summary, the available evidence is currently insufficient to determine the role of this variant in disease. Therefore, it has been classified as a Variant of Uncertain Significance.